The following is an entry in ClinVar:

NM_000138.5(FBN1):c.1621T>G (p.Cys541Gly)

Gene: FBN1 (fibrillin 1; minus strand). Cytogenetic location: 15q21.1.
Variant type: single nucleotide variant.
Coding change: c.1621T>G on transcript NM_000138.5 (MANE Select); coding-DNA position 1621, T replaced by G.
Protein change: p.Cys541Gly; replaces cysteine 541 with glycine.
Molecular consequence: missense variant.
Genome position (GRCh38, 1-based): chr15:48,510,137, A>C on the plus strand (T>G on the coding strand, the complement: FBN1 is on the minus strand). VCF-style: chr15-48510137-A-C. GRCh37 (hg19) VCF-style: chr15-48802334-A-C.
Other names: short protein forms C541G.
Identifiers: ClinVar variation 1400134 (VCV001400134.6), dbSNP rs111396594, ClinGen allele CA269554439.

ClinVar aggregate classification (germline): Pathogenic (1 of 4 stars; one submission).

Conditions:
Marfan syndrome (MFS). Also called: Marfan syndrome type 1; Marfan's syndrome; FBN1-Related Marfan Syndrome; MARFAN SYNDROME, TYPE I; Marfan syndrome, classic. Identifiers: Orphanet 284963, Orphanet 558, MedGen C0024796, MONDO:0007947, OMIM 154700.
Familial thoracic aortic aneurysm and aortic dissection (TAAD). Also called: Thoracic aortic aneurysms and dissections. Identifiers: Orphanet 91387, MedGen C4707243, MONDO:0019625.

Submission:

Labcorp Genetics (formerly Invitae), Labcorp
Classification: Pathogenic for Marfan syndrome; Familial thoracic aortic aneurysm and aortic dissection. Last evaluated: 2021-11-02. Review status: criteria provided, single submitter. Criteria: Invitae Variant Classification Sherloc (09022015). Collection method: clinical testing. Allele origin: germline.
Comment: Advanced modeling of protein sequence and biophysical properties (such as structural, functional, and spatial information, amino acid conservation, physicochemical variation, residue mobility, and thermodynamic stability) performed at Invitae indicates that this missense variant is expected to disrupt FBN1 protein function. This sequence change replaces cysteine, which is neutral and slightly polar, with glycine, which is neutral and non-polar, at codon 541 of the FBN1 protein (p.Cys541Gly). This variant is not present in population databases (gnomAD no frequency). This missense change has been observed in individual(s) with clinical features of Marfan syndrome (Invitae). This variant affects a cysteine residue in the EGF-like, TGFBP or hybrid motif domains of FBN1. Cysteine residues are believed to be involved in intramolecular disulfide bridges and have been shown to be important for FBN1 protein structure (PMID: 16905551, 19349279). In addition, missense substitutions affecting cysteine residues within these domains are significantly overrepresented among patients with Marfan syndrome (PMID: 16571647, 17701892). This variant disrupts the p.Cys541 amino acid residue in FBN1. Other variant(s) that disrupt this residue have been observed in individuals with FBN1-related conditions (PMID: 18925407, 24501682; Invitae), which suggests that this may be a clinically significant amino acid residue. For these reasons, this variant has been classified as Pathogenic.

Literature cited by the submitters: PubMed 16905551; PubMed 19349279; PubMed 16571647; PubMed 17701892; PubMed 18925407; PubMed 24501682.